The following is an entry in ClinVar:

ClinVar aggregate classification (germline): Likely pathogenic (1 of 4 stars; one submission).

Conditions:
Central core myopathy (CMYO1A). Also called: CONGENITAL MYOPATHY 1A, AUTOSOMAL DOMINANT, WITH SUSCEPTIBILITY TO MALIGNANT HYPERTHERMIA; Central core disease; Myopathy, central fibrillar. Identifiers: Orphanet 597, MedGen C5830701, MONDO:0007294, OMIM 117000.

gnomAD v4.1: 1 of 1,614,028 alleles (0.000062%); highest among the groups gnomAD compares: East Asian, 0.0022%; no homozygotes.

Submission:

Laboratory for Molecular Medicine, Mass General Brigham Personalized Medicine
Classification: Likely pathogenic for Central core myopathy. Last evaluated: 2019-03-07. Review status: criteria provided, single submitter. Criteria: ACMG Guidelines, 2015. Collection method: clinical testing. Allele origin: germline. Inheritance: Autosomal recessive inheritance.
Comment: The c.1441-2A>G variant in RYR1 has not been previously reported in individuals with disease and was absent from large population studies. This variant occurs within the canonical splice site (+/- 1,2) and is predicted to cause altered splicing leading to an abnormal or absent protein. Biallelic loss of function of the RYR1 gene is an established disease mechanism in autosomal recessive congenital myopathy/central core disease. In summary, although additional studies are required to fully establish its clinical significance, the c.1441-2A>G variant in RYR1 meets criteria to be classified as likely pathogenic for autosomal recessive congenital myopathy/central core disease. ACMG/AMP Criteria applied: PVS1, PM2.

NM_000540.3(RYR1):c.1441-2A>G

Genes: RYR1 (ryanodine receptor 1; plus strand), LOC129391106 (MPRA-validated peak3472 silencer; plus strand). Cytogenetic location: 19q13.2.
Variant type: single nucleotide variant.
Coding change: c.1441-2A>G on transcript NM_000540.3 (MANE Select); the canonical splice acceptor site of the intron before coding-DNA position 1441, A replaced by G.
Molecular consequence: splice acceptor variant.
Genome position (GRCh38, 1-based): chr19:38,455,233, A>G. VCF-style: chr19-38455233-A-G. GRCh37 (hg19) VCF-style: chr19-38945873-A-G.
Other names: c.1441-2A>G (NM_001042723.2).
Identifiers: ClinVar variation 3075759 (VCV003075759.1), dbSNP rs1163185721, ClinGen allele CA405688274.